The following is an entry in ClinVar:

NM_014049.4(ACAD9):c.[1015T>G];[2T>G]

Variant type: CompoundHeterozygote.
Identifiers: ClinVar variation 424745 (VCV000424745.4).

ClinVar aggregate classification (germline): Pathogenic (0 of 4 stars; one submission).

Conditions:
Acyl-CoA dehydrogenase 9 deficiency. Also called: Acyl-CoA dehydrogenase family, member 9, deficiency of; MITOCHONDRIAL COMPLEX I DEFICIENCY, NUCLEAR TYPE 20. Identifiers: Orphanet 99901, MedGen C4747517, MONDO:0012624, OMIM 611126.

Submission:

Institut IMAGINE, Institut National de la Sante et de la Recherche Medicale
Classification: Pathogenic for cardiac hypertrophy. Last evaluated: 2015-08-25. Review status: no assertion criteria provided. Collection method: clinical testing. Allele origin: germline. Inheritance: Autosomal recessive inheritance. Affected: yes. Observed: 1 variant allele.
Comment: predicted to be deleterious using three different prediction softwares, namely SIFT, MutationTaster and Polyphen-2